The following is an entry in ClinVar:

NM_003322.6(TULP1):c.1522C>T (p.Arg508Cys)

Gene: TULP1 (TUB like protein 1; minus strand). Cytogenetic location: 6p21.31.
Variant type: single nucleotide variant.
Coding change: c.1522C>T on transcript NM_003322.6 (MANE Select); coding-DNA position 1522, C replaced by T.
Protein change: p.Arg508Cys; replaces arginine 508 with cysteine.
Molecular consequence: missense variant.
Genome position (GRCh38, 1-based): chr6:35,498,434, G>A on the plus strand (C>T on the coding strand, the complement: TULP1 is on the minus strand). VCF-style: chr6-35498434-G-A. GRCh37 (hg19) VCF-style: chr6-35466211-G-A.
Other names: c.1522C>T (NM_003322.3); c.1363C>T, p.Arg455Cys (NM_001289395.2); short protein forms R455C, R508C.
Identifiers: ClinVar variation 977978 (VCV000977978.5), dbSNP rs751036771, ClinGen allele CA137276971.
Genomic context (GRCh38, chr6:35,498,434, plus strand): 5'-AGGCCTGCAGGGCGCACAGCGGGTACCGGTAGTCTAGGGTGAAGGCGTCCTCCGCCACGC[G>A]GCCGAACTGCAGCACGATATAGTCGGCTATGGACACAAGACGGGGTGGGGGCGGCCCGAG-3'
Protein context (NP_003313.3, residues 498-518): DPDYIVLQFG[Arg508Cys]VAEDAFTLDY

ClinVar aggregate classification (germline): Uncertain significance. Review status: criteria provided, multiple submitters, no conflicts (2 of 4 stars). 4 submissions from 4 submitters: Uncertain significance (3). 1 of the submissions does not count toward it. Last evaluated 2025-11-20.

Conditions:
Leber congenital amaurosis 15 (LCA15). Identifiers: Orphanet 65, MedGen C3151206, MONDO:0013457, OMIM 613843.
Inborn genetic diseases. Identifiers: MedGen C0950123, MeSH D030342.

Allele frequency attached by ClinVar (database versions not stated): gnomAD exomes 0.00001.
gnomAD v4.1: 14 of 1,613,956 alleles (0.00087%); highest among the groups gnomAD compares: Non-Finnish European, 0.0012%; no homozygotes.

Submissions (4):

Ambry Genetics
Classification: Uncertain significance for Inborn genetic diseases. Last evaluated: 2025-11-20. Review status: criteria provided, single submitter. Criteria: Ambry Variant Classification Scheme 2023. Collection method: clinical testing. Allele origin: germline.

Labcorp Genetics (formerly Invitae), Labcorp
Classification: Uncertain significance. Last evaluated: 2022-07-06. Review status: criteria provided, single submitter. Criteria: Invitae Variant Classification Sherloc (09022015). Collection method: clinical testing. Allele origin: germline.
Comment: This sequence change replaces arginine, which is basic and polar, with cysteine, which is neutral and slightly polar, at codon 508 of the TULP1 protein (p.Arg508Cys). The frequency data for this variant in the population databases is considered unreliable, as metrics indicate poor data quality at this position in the gnomAD database. This variant has not been reported in the literature in individuals affected with TULP1-related conditions. ClinVar contains an entry for this variant (Variation ID: 977978). Algorithms developed to predict the effect of missense changes on protein structure and function are either unavailable or do not agree on the potential impact of this missense change (SIFT: "Not Available"; PolyPhen-2: "Probably Damaging"; Align-GVGD: "Not Available"). In summary, the available evidence is currently insufficient to determine the role of this variant in disease. Therefore, it has been classified as a Variant of Uncertain Significance.

Blueprint Genetics
Classification: Uncertain significance. Last evaluated: 2020-06-12. Review status: criteria provided, single submitter. Criteria: ACMG Guidelines, 2015. Collection method: clinical testing. Allele origin: germline.

Laboratory of Genetics in Ophthalmology, Institut Imagine
Classification: Likely pathogenic for Leber congenital amaurosis 15. Review status: no assertion criteria provided. Collection method: research. Allele origin: inherited. Affected: yes. Observed: 1 variant allele. Not counted in ClinVar's aggregate classification.